The following is an entry in ClinVar:

NM_198578.4(LRRK2):c.596T>G (p.Phe199Cys)

Gene: LRRK2 (leucine rich repeat kinase 2; plus strand). Cytogenetic location: 12q12.
Variant type: single nucleotide variant.
Coding change: c.596T>G on transcript NM_198578.4 (MANE Select); coding-DNA position 596, T replaced by G.
Protein change: p.Phe199Cys; replaces phenylalanine 199 with cysteine.
Molecular consequence: missense variant.
Genome position (GRCh38, 1-based): chr12:40,240,507, T>G. VCF-style: chr12-40240507-T-G. GRCh37 (hg19) VCF-style: chr12-40634309-T-G.
Other names: short protein forms F199C.
Identifiers: ClinVar variation 2447270 (VCV002447270.5), dbSNP rs2499435776, ClinGen allele CA384404576.

ClinVar aggregate classification (germline): Uncertain significance. Review status: criteria provided, multiple submitters, no conflicts (2 of 4 stars). 2 submissions from 2 submitters: Uncertain significance (2). Last evaluated 2023-11-04.

Conditions:
Inborn genetic diseases. Identifiers: MedGen C0950123, MeSH D030342.
Autosomal dominant Parkinson disease 8. Also called: LRRK2-Related Parkinson Disease; Parkinson disease 8; Parkinson disease 8, susceptibility to. Identifiers: Orphanet 411602, MedGen C1846862, MONDO:0011764, OMIM 607060.

Submissions (2):

Labcorp Genetics (formerly Invitae), Labcorp
Classification: Uncertain significance for Autosomal dominant Parkinson disease 8. Last evaluated: 2023-11-04. Review status: criteria provided, single submitter. Criteria: Invitae Variant Classification Sherloc (09022015). Collection method: clinical testing. Allele origin: germline.
Comment: This sequence change replaces phenylalanine, which is neutral and non-polar, with cysteine, which is neutral and slightly polar, at codon 199 of the LRRK2 protein (p.Phe199Cys). This variant is not present in population databases (gnomAD no frequency). This variant has not been reported in the literature in individuals affected with LRRK2-related conditions. ClinVar contains an entry for this variant (Variation ID: 2447270). Advanced modeling of protein sequence and biophysical properties (such as structural, functional, and spatial information, amino acid conservation, physicochemical variation, residue mobility, and thermodynamic stability) has been performed at Invitae for this missense variant, however the output from this modeling did not meet the statistical confidence thresholds required to predict the impact of this variant on LRRK2 protein function. In summary, the available evidence is currently insufficient to determine the role of this variant in disease. Therefore, it has been classified as a Variant of Uncertain Significance.

Ambry Genetics
Classification: Uncertain significance for Inborn genetic diseases. Last evaluated: 2023-02-28. Review status: criteria provided, single submitter. Criteria: Ambry Variant Classification Scheme 2023. Collection method: clinical testing. Allele origin: germline.
Comment: The p.F199C variant (also known as c.596T>G), located in coding exon 6 of the LRRK2 gene, results from a T to G substitution at nucleotide position 596. The phenylalanine at codon 199 is replaced by cysteine, an amino acid with highly dissimilar properties. This amino acid position is conserved. In addition, the in silico prediction for this alteration is inconclusive. Since supporting evidence is limited at this time, the clinical significance of this alteration remains unclear.